The following is an entry in ClinVar:

ClinVar aggregate classification (germline): Likely benign (1 of 4 stars; one submission).

Conditions:
SIL1-related disorder. Also called: SIL1-related condition.

gnomAD v4.1: 1 of 1,608,366 alleles (0.000062%); highest among the groups gnomAD compares: African/African-American, 0.0013%; no homozygotes.

Submission:

PreventionGenetics, part of Exact Sciences
Classification: Likely benign for SIL1-related condition. Last evaluated: 2024-10-09. Review status: criteria provided, single submitter. Criteria: ACMG Guidelines, 2015. Collection method: clinical testing. Allele origin: germline.
Comment: This variant is classified as likely benign based on ACMG/AMP sequence variant interpretation guidelines (Richards et al. 2015 PMID: 25741868, with internal and published modifications).

NM_022464.5(SIL1):c.981G>A (p.Val327=)

Gene: SIL1 (SIL1 nucleotide exchange factor; minus strand). Cytogenetic location: 5q31.2.
Variant type: single nucleotide variant.
Coding change: c.981G>A on transcript NM_022464.5 (MANE Select); coding-DNA position 981, G replaced by A.
Protein change: p.Val327=; no amino-acid change (valine 327 retained).
Molecular consequence: synonymous variant.
Genome position (GRCh38, 1-based): chr5:138,951,219, C>T on the plus strand (G>A on the coding strand, the complement: SIL1 is on the minus strand). VCF-style: chr5-138951219-C-T. GRCh37 (hg19) VCF-style: chr5-138286908-C-T.
Other names: c.981G>A, p.Val327= (NM_001037633.2).
Identifiers: ClinVar variation 5002276 (VCV005002276.1).
Genomic context (GRCh38, chr5:138,951,219, plus strand): 5'-CTGGGCACTCACCTTCTCCGTGACCAGGTCGTAGAGCAGTGTGACCACGCGCACGGCGAG[C>T]ACCTCCGTGCCCTTCTCCTGCACCAGGGTCCTCAGGACCTGCAGCCCCCCGAGCTTCAGG-3'
Protein context (NP_071909.1, residues 317-337): RTLVQEKGTE[Val327=]LAVRVVTLLY